The following is an entry in ClinVar:

NM_001100913.3(PACS2):c.1081G>A (p.Gly361Arg)

Gene: PACS2 (phosphofurin acidic cluster sorting protein 2; plus strand). Cytogenetic location: 14q32.33.
Variant type: single nucleotide variant.
Coding change: c.1081G>A on transcript NM_001100913.3 (MANE Select); coding-DNA position 1081, G replaced by A.
Protein change: p.Gly361Arg; replaces glycine 361 with arginine.
Molecular consequence: missense variant.
Genome position (GRCh38, 1-based): chr14:105,380,110, G>A. VCF-style: chr14-105380110-G-A. GRCh37 (hg19) VCF-style: chr14-105846447-G-A.
Other names: c.856G>A, p.Gly286Arg (NM_001243127.3); c.1081G>A, p.Gly361Arg (NM_015197.4); short protein forms G286R, G361R.
Identifiers: ClinVar variation 2644921 (VCV002644921.24), dbSNP rs2544790909, ClinGen allele CA391180666.

ClinVar aggregate classification (germline): Uncertain significance (1 of 4 stars; one submission).

Allele frequency attached by ClinVar (database versions not stated): gnomAD exomes below 0.00001.
gnomAD v4.1: 1 of 1,553,382 alleles (0.000064%); highest among the groups gnomAD compares: Non-Finnish European, 0.000087%; no homozygotes.

Submission:

CeGaT Center for Human Genetics Tuebingen
Classification: Uncertain significance. Last evaluated: 2022-11-01. Review status: criteria provided, single submitter. Criteria: CeGaT Center For Human Genetics Tuebingen Variant Classification Criteria Version 2. Collection method: clinical testing. Allele origin: germline. Affected: yes. Observed: 1 variant allele.
Comment: PACS2: PM2, BP4